The following is an entry in ClinVar:

ClinVar aggregate classification (germline): Benign/Likely benign. Review status: criteria provided, multiple submitters, no conflicts (2 of 4 stars). 2 submissions from 2 submitters: Benign (1); Likely benign (1). Last evaluated 2025-11-19.

Allele frequency attached by ClinVar (database versions not stated): 1000 Genomes Project 30x 0.00016; 1000 Genomes Project 0.00020; TOPMed 0.00119; gnomAD 0.00120 and 0.00125; ESP Exome Variant Server 0.00131; gnomAD exomes 0.00133 and 0.00189; ExAC 0.00156.
gnomAD v4.1: 2,888 of 1,614,124 alleles (0.18%); highest among the groups gnomAD compares: Non-Finnish European, 0.23%; 3 homozygotes.

Submissions (2):

Labcorp Genetics (formerly Invitae), Labcorp
Classification: Benign. Last evaluated: 2025-11-19. Review status: criteria provided, single submitter. Criteria: Invitae Variant Classification Sherloc (09022015). Collection method: clinical testing. Allele origin: germline.

CeGaT Center for Human Genetics Tuebingen
Classification: Likely benign. Last evaluated: 2023-04-01. Review status: criteria provided, single submitter. Criteria: CeGaT Center For Human Genetics Tuebingen Variant Classification Criteria Version 2. Collection method: clinical testing. Allele origin: germline. Affected: yes. Observed: 1 variant allele.
Comment: ACOX2: BP4, BP7

NM_003500.4(ACOX2):c.28T>C (p.Leu10=)

Gene: ACOX2 (acyl-CoA oxidase 2; minus strand). Cytogenetic location: 3p14.3.
Variant type: single nucleotide variant.
Coding change: c.28T>C on transcript NM_003500.4 (MANE Select); coding-DNA position 28, T replaced by C.
Protein change: p.Leu10=; no amino-acid change (leucine 10 retained).
Molecular consequence: synonymous variant.
Genome position (GRCh38, 1-based): chr3:58,535,079, A>G on the plus strand (T>C on the coding strand, the complement: ACOX2 is on the minus strand). VCF-style: chr3-58535079-A-G. GRCh37 (hg19) VCF-style: chr3-58520806-A-G.
Identifiers: ClinVar variation 718938 (VCV000718938.31), dbSNP rs140431503, ClinGen allele CA2472558.